The following is an entry in ClinVar:

ClinVar aggregate classification (germline): Uncertain significance (1 of 4 stars; one submission).

Conditions:
Congenital multicore myopathy with external ophthalmoplegia (CMYO1B). Also called: Congenital myopathy 1B, autosomal recessive; Minicore myopathy; MULTICORE MYOPATHY; Minicore myopathy with external ophthalmoplegia; MULTIMINICORE DISEASE WITH EXTERNAL OPHTHALMOPLEGIA. Identifiers: Orphanet 598, Orphanet 98905, MedGen C1850674, MONDO:0009712, OMIM 255320, HP:0003789.

gnomAD v4.1: 1 of 1,613,898 alleles (0.000062%); highest among the groups gnomAD compares: Middle Eastern, 0.016%; no homozygotes.

Submission:

3billion
Classification: Uncertain significance for Congenital multicore myopathy with external ophthalmoplegia. Last evaluated: 2025-01-20. Review status: criteria provided, single submitter. Criteria: ACMG Guidelines, 2015. Collection method: clinical testing. Allele origin: germline. Affected: yes.
Comment: The variant is observed at an extremely low frequency in the gnomAD v4.1.0 dataset (total allele frequency: <0.001%). Predicted Consequence/Location: Missense variant In silico tool predictions suggest damaging effect of the variant on gene or gene product [REVEL: 0.98 (>=0.6, sensitivity 0.68 and specificity 0.92); 3Cnet: 0.78 (>=0.6, sensitivity 0.72 and precision 0.9)]. Different missense changes at the same codon have been reported as of uncertain significance (ClinVar ID: VCV000133021). Therefore, this variant is classified as VUS according to the recommendation of ACMG/AMP guideline.

NM_000540.3(RYR1):c.11797T>G (p.Tyr3933Asp)

Gene: RYR1 (ryanodine receptor 1; plus strand). Cytogenetic location: 19q13.2.
Variant type: single nucleotide variant.
Coding change: c.11797T>G on transcript NM_000540.3 (MANE Select); coding-DNA position 11797, T replaced by G.
Protein change: p.Tyr3933Asp; replaces tyrosine 3933 with aspartic acid.
Molecular consequence: missense variant.
Genome position (GRCh38, 1-based): chr19:38,543,550, T>G. VCF-style: chr19-38543550-T-G. GRCh37 (hg19) VCF-style: chr19-39034190-T-G.
Other names: c.11782T>G, p.Tyr3928Asp (NM_001042723.2); short protein forms Y3928D, Y3933D.
Identifiers: ClinVar variation 4292116 (VCV004292116.1).